The following is an entry in ClinVar:

ClinVar aggregate classification (germline): Uncertain significance. Review status: criteria provided, multiple submitters, no conflicts (2 of 4 stars). 2 submissions from 2 submitters: Uncertain significance (2). Last evaluated 2024-06-07.

Conditions:
Progressive familial heart block type IB (PFHB1B). Identifiers: Orphanet 871, MedGen C1970298, MONDO:0011474, OMIM 604559.
Cardiovascular phenotype. Identifiers: MedGen CN230736.

Allele frequency attached by ClinVar (database versions not stated): gnomAD exomes below 0.00001.
gnomAD v4.1: 1 of 1,614,040 alleles (0.000062%); highest among the groups gnomAD compares: Non-Finnish European, 0.000085%; no homozygotes.

Submissions (2):

Ambry Genetics
Classification: Uncertain significance for Cardiovascular phenotype. Last evaluated: 2024-06-07. Review status: criteria provided, single submitter. Criteria: Ambry Variant Classification Scheme 2023. Collection method: clinical testing. Allele origin: germline.
Comment: The p.A1158V variant (also known as c.3473C>T), located in coding exon 23 of the TRPM4 gene, results from a C to T substitution at nucleotide position 3473. The alanine at codon 1158 is replaced by valine, an amino acid with similar properties. This amino acid position is conserved. In addition, this alteration is predicted to be tolerated by in silico analysis. Based on the available evidence, the clinical significance of this variant remains unclear.

Labcorp Genetics (formerly Invitae), Labcorp
Classification: Uncertain significance for Progressive familial heart block type IB. Last evaluated: 2019-11-06. Review status: criteria provided, single submitter. Criteria: Invitae Variant Classification Sherloc (09022015). Collection method: clinical testing. Allele origin: germline.
Comment: In summary, the available evidence is currently insufficient to determine the role of this variant in disease. Therefore, it has been classified as a Variant of Uncertain Significance. This sequence change replaces alanine with valine at codon 1158 of the TRPM4 protein (p.Ala1158Val). The alanine residue is moderately conserved and there is a small physicochemical difference between alanine and valine. This variant is not present in population databases (ExAC no frequency). This variant has not been reported in the literature in individuals with TRPM4-related conditions. Algorithms developed to predict the effect of missense changes on protein structure and function output the following: SIFT: "Tolerated"; PolyPhen-2: "Benign"; Align-GVGD: "Class C0". The valine amino acid residue is found in multiple mammalian species, suggesting that this missense change does not adversely affect protein function. These predictions have not been confirmed by published functional studies and their clinical significance is uncertain. Algorithms developed to predict the effect of sequence changes on RNA splicing suggest that this variant may create or strengthen a splice site, but this prediction has not been confirmed by published transcriptional studies.

NM_017636.4(TRPM4):c.3473C>T (p.Ala1158Val)

Gene: TRPM4 (transient receptor potential cation channel subfamily M member 4; plus strand). Cytogenetic location: 19q13.33.
Variant type: single nucleotide variant.
Coding change: c.3473C>T on transcript NM_017636.4 (MANE Select); coding-DNA position 3473, C replaced by T.
Protein change: p.Ala1158Val; replaces alanine 1158 with valine.
Molecular consequence: missense variant.
Genome position (GRCh38, 1-based): chr19:49,211,026, C>T. VCF-style: chr19-49211026-C-T. GRCh37 (hg19) VCF-style: chr19-49714283-C-T.
Other names: c.3038C>T, p.Ala1013Val (NM_001195227.2); c.3128C>T, p.Ala1043Val (NM_001321281.2); c.1865C>T, p.Ala622Val (NM_001321282.2); c.2951C>T, p.Ala984Val (NM_001321283.2); c.2411C>T, p.Ala804Val (NM_001321285.2); short protein forms A984V, A1043V, A1013V, A622V, A804V, A1158V.
Identifiers: ClinVar variation 964351 (VCV000964351.10), dbSNP rs1969344829, ClinGen allele CA406773290.